The following is an entry in ClinVar:

ClinVar aggregate classification (germline): Uncertain significance. Review status: criteria provided, multiple submitters, no conflicts (2 of 4 stars). 3 submissions from 3 submitters: Uncertain significance (3). Last evaluated 2024-04-11.

Conditions:
Familial thoracic aortic aneurysm and aortic dissection (TAAD). Also called: Thoracic aortic aneurysms and dissections. Identifiers: Orphanet 91387, MedGen C4707243, MONDO:0019625.
Marfan syndrome (MFS). Also called: FBN1-Related Marfan Syndrome; MARFAN SYNDROME, TYPE I; Marfan syndrome type 1; Marfan's syndrome; Marfan syndrome, classic. Identifiers: Orphanet 284963, Orphanet 558, MedGen C0024796, MONDO:0007947, OMIM 154700.

Allele frequency attached by ClinVar (database versions not stated): TOPMed below 0.00001.

Submissions (3):

Labcorp Genetics (formerly Invitae), Labcorp
Classification: Uncertain significance for Marfan syndrome; Familial thoracic aortic aneurysm and aortic dissection. Last evaluated: 2024-04-11. Review status: criteria provided, single submitter. Criteria: Invitae Variant Classification Sherloc (09022015). Collection method: clinical testing. Allele origin: germline.
Comment: This sequence change replaces serine, which is neutral and polar, with glycine, which is neutral and non-polar, at codon 722 of the FBN1 protein (p.Ser722Gly). This variant is not present in population databases (gnomAD no frequency). This variant has not been reported in the literature in individuals affected with FBN1-related conditions. Advanced modeling of protein sequence and biophysical properties (such as structural, functional, and spatial information, amino acid conservation, physicochemical variation, residue mobility, and thermodynamic stability) performed at Invitae indicates that this missense variant is not expected to disrupt FBN1 protein function with a negative predictive value of 95%. In summary, the available evidence is currently insufficient to determine the role of this variant in disease. Therefore, it has been classified as a Variant of Uncertain Significance.

Color Diagnostics, LLC DBA Color Health
Classification: Uncertain significance for Familial thoracic aortic aneurysm and aortic dissection. Last evaluated: 2024-03-06. Review status: criteria provided, single submitter. Criteria: ACMG Guidelines, 2015. Collection method: clinical testing. Allele origin: germline.
Comment: This missense variant replaces serine with glycine at codon 722 of the FBN1 protein. Computational prediction suggests that this variant may not impact protein structure and function (internally defined REVEL score threshold <= 0.5, PMID: 27666373). To our knowledge, functional studies have not been reported for this variant. This variant has not been reported in individuals affected with FBN1-related disorders in the literature. This variant has not been identified in the general population by the Genome Aggregation Database (gnomAD). The available evidence is insufficient to determine the role of this variant in disease conclusively. Therefore, this variant is classified as a Variant of Uncertain Significance.

All of Us Research Program, National Institutes of Health
Classification: Uncertain significance for Marfan syndrome. Last evaluated: 2023-03-07. Review status: criteria provided, single submitter. Criteria: ACMG Guidelines, 2015. Collection method: clinical testing. Allele origin: germline. Inheritance: Autosomal dominant inheritance. Observed: 1 variant allele, 1 heterozygote.
Comment: This missense variant replaces serine with glycine at codon 722 of the FBN1 protein. Computational prediction suggests that this variant may not impact protein structure and function (internally defined REVEL score threshold <= 0.5, PMID: 27666373). To our knowledge, functional studies have not been reported for this variant. This variant has not been reported in individuals affected with cardiovascular disorders in the literature. This variant has not been identified in the general population by the Genome Aggregation Database (gnomAD). The available evidence is insufficient to determine the role of this variant in disease conclusively. Therefore, this variant is classified as a Variant of Uncertain Significance.

This study involves interpretation of variants in research participants for the purpose of population health screening. Participant phenotype was not available at the time of variant classification. Additional details can be found in publication PMID: 35346344, PMCID: PMC8962531

NM_000138.5(FBN1):c.2164A>G (p.Ser722Gly)

Gene: FBN1 (fibrillin 1; minus strand). Cytogenetic location: 15q21.1.
Variant type: single nucleotide variant.
Coding change: c.2164A>G on transcript NM_000138.5 (MANE Select); coding-DNA position 2164, A replaced by G.
Protein change: p.Ser722Gly; replaces serine 722 with glycine.
Molecular consequence: missense variant.
Genome position (GRCh38, 1-based): chr15:48,498,988, T>C on the plus strand (A>G on the coding strand, the complement: FBN1 is on the minus strand). VCF-style: chr15-48498988-T-C. GRCh37 (hg19) VCF-style: chr15-48791185-T-C.
Other names: c.2164A>G, p.Ser722Gly (NM_001406716.1); short protein forms S722G.
Identifiers: ClinVar variation 2773382 (VCV002773382.5), dbSNP rs1475750629, ClinGen allele CA392336138.